The following is an entry in ClinVar:

ClinVar aggregate classification (germline): Uncertain significance. Review status: criteria provided, multiple submitters, no conflicts (2 of 4 stars). 2 submissions from 2 submitters: Uncertain significance (2). Last evaluated 2025-08-06.

Conditions:
SALL1-related disorder. Also called: SALL1-related condition.
Townes syndrome (TBS). Also called: Townes-Brocks syndrome. Identifiers: Orphanet 857, MedGen C0265246, MeSH C536974, MONDO:0007142.

Allele frequency attached by ClinVar (database versions not stated): gnomAD exomes below 0.00001 and 0.00003; gnomAD 0.00001.
gnomAD v4.1: 47 of 1,600,694 alleles (0.0029%); highest among the groups gnomAD compares: Non-Finnish European, 0.0039%; no homozygotes.

Submissions (2):

Labcorp Genetics (formerly Invitae), Labcorp
Classification: Uncertain significance for Townes syndrome. Last evaluated: 2025-08-06. Review status: criteria provided, single submitter. Criteria: Invitae Variant Classification Sherloc (09022015). Collection method: clinical testing. Allele origin: germline.
Comment: This sequence change replaces aspartic acid, which is acidic and polar, with alanine, which is neutral and non-polar, at codon 15 of the SALL1 protein (p.Asp15Ala). The frequency data for this variant in the population databases is considered unreliable, as metrics indicate poor data quality at this position in the gnomAD database. This variant has not been reported in the literature in individuals affected with SALL1-related conditions. ClinVar contains an entry for this variant (Variation ID: 2635006). An algorithm developed to predict the effect of missense changes on protein structure and function (PolyPhen-2) suggests that this variant is likely to be tolerated. In summary, the available evidence is currently insufficient to determine the role of this variant in disease. Therefore, it has been classified as a Variant of Uncertain Significance.

PreventionGenetics, part of Exact Sciences
Classification: Uncertain significance for SALL1-related condition. Last evaluated: 2023-08-23. Review status: criteria provided, single submitter. Criteria: ACMG Guidelines, 2015. Collection method: clinical testing. Allele origin: germline.
Comment: The SALL1 c.44A>C variant is predicted to result in the amino acid substitution p.Asp15Ala. To our knowledge, this variant has not been reported in the literature. This variant is reported in 0.00092% of alleles in individuals of European (Non-Finnish) descent in gnomAD. At this time, the clinical significance of this variant is uncertain due to the absence of conclusive functional and genetic evidence.

NM_002968.3(SALL1):c.44A>C (p.Asp15Ala)

Gene: SALL1 (spalt like transcription factor 1; minus strand). Cytogenetic location: 16q12.1.
Variant type: single nucleotide variant.
Coding change: c.44A>C on transcript NM_002968.3 (MANE Select); coding-DNA position 44, A replaced by C.
Protein change: p.Asp15Ala; replaces aspartic acid 15 with alanine.
Molecular consequence: missense variant.
Genome position (GRCh38, 1-based): chr16:51,151,198, T>G on the plus strand (A>C on the coding strand, the complement: SALL1 is on the minus strand). VCF-style: chr16-51151198-T-G. GRCh37 (hg19) VCF-style: chr16-51185109-T-G.
Other names: short protein forms D15A.
Identifiers: ClinVar variation 2635006 (VCV002635006.2), dbSNP rs77265655, ClinGen allele CA10648541.